The following is an entry in ClinVar:

NM_133497.4(KCNV2):c.38A>G (p.Tyr13Cys)

Gene: KCNV2 (potassium voltage-gated channel modifier subfamily V member 2; plus strand). Cytogenetic location: 9p24.2.
Variant type: single nucleotide variant.
Coding change: c.38A>G on transcript NM_133497.4 (MANE Select); coding-DNA position 38, A replaced by G.
Protein change: p.Tyr13Cys; replaces tyrosine 13 with cysteine.
Molecular consequence: missense variant.
Genome position (GRCh38, 1-based): chr9:2,717,777, A>G. VCF-style: chr9-2717777-A-G. GRCh37 (hg19) VCF-style: chr9-2717777-A-G.
Other names: short protein forms Y13C.
Identifiers: ClinVar variation 1009817 (VCV001009817.6), dbSNP rs774058342, ClinGen allele CA4965297.

ClinVar aggregate classification (germline): Conflicting classifications of pathogenicity. Review status: criteria provided, conflicting classifications (1 of 4 stars). 3 submissions from 3 submitters: Uncertain significance (2); Likely benign (1). Last evaluated 2023-07-07.

Conditions:
Cone dystrophy with supernormal rod response (CDSRR). Also called: CONE DYSTROPHY WITH SUPERNORMAL ROD RESPONSES. Identifiers: Orphanet 209932, MedGen C1835897, MONDO:0012475, OMIM 610356.

Allele frequency attached by ClinVar (database versions not stated): ExAC 0.00002; gnomAD exomes 0.00002; gnomAD 0.00003 and 0.00004; TOPMed 0.00005.
gnomAD v4.1: 27 of 1,614,064 alleles (0.0017%); highest among the groups gnomAD compares: Admixed American, 0.02%; 1 homozygote.

Submissions (3):

Labcorp Genetics (formerly Invitae), Labcorp
Classification: Uncertain significance. Last evaluated: 2023-07-07. Review status: criteria provided, single submitter. Criteria: Invitae Variant Classification Sherloc (09022015). Collection method: clinical testing. Allele origin: germline.
Comment: In summary, the available evidence is currently insufficient to determine the role of this variant in disease. Therefore, it has been classified as a Variant of Uncertain Significance. Advanced modeling of protein sequence and biophysical properties (such as structural, functional, and spatial information, amino acid conservation, physicochemical variation, residue mobility, and thermodynamic stability) performed at Invitae indicates that this missense variant is not expected to disrupt KCNV2 protein function. ClinVar contains an entry for this variant (Variation ID: 1009817). This variant has not been reported in the literature in individuals affected with KCNV2-related conditions. This variant is present in population databases (rs774058342, gnomAD 0.01%). This sequence change replaces tyrosine, which is neutral and polar, with cysteine, which is neutral and slightly polar, at codon 13 of the KCNV2 protein (p.Tyr13Cys).

Fulgent Genetics
Classification: Uncertain significance for Cone dystrophy with supernormal rod response. Last evaluated: 2021-08-12. Review status: criteria provided, single submitter. Criteria: ACMG Guidelines, 2015. Collection method: clinical testing. Allele origin: unknown.

Blueprint Genetics
Classification: Likely benign. Last evaluated: 2021-06-30. Review status: criteria provided, single submitter. Criteria: ACMG Guidelines, 2015. Collection method: clinical testing. Allele origin: germline.